The following is an entry in ClinVar:

NM_005751.5(AKAP9):c.9763A>G (p.Arg3255Gly)

Gene: AKAP9 (A-kinase anchoring protein 9; plus strand). Cytogenetic location: 7q21.2.
Variant type: single nucleotide variant.
Coding change: c.9763A>G on transcript NM_005751.5 (MANE Select); coding-DNA position 9763, A replaced by G.
Protein change: p.Arg3255Gly; replaces arginine 3255 with glycine.
Molecular consequence: missense variant.
Genome position (GRCh38, 1-based): chr7:92,096,722, A>G. VCF-style: chr7-92096722-A-G. GRCh37 (hg19) VCF-style: chr7-91726036-A-G.
Other names: c.4408A>G, p.Arg1470Gly (NM_001379277.1); c.9739A>G, p.Arg3247Gly (NM_147185.3); short protein forms R3255G, R3247G, R1470G.
Identifiers: ClinVar variation 191523 (VCV000191523.20), dbSNP rs201048693, ClinGen allele CA236891.

ClinVar aggregate classification (germline): Conflicting classifications of pathogenicity. Review status: criteria provided, conflicting classifications (1 of 4 stars). 8 submissions from 8 submitters: Uncertain significance (1); Benign (2); Likely benign (5). Last evaluated 2026-02-01.

Conditions:
Cardiovascular phenotype. Identifiers: MedGen CN230736.
Long QT syndrome (LQTS). Identifiers: MedGen C0023976, MeSH D008133, MONDO:0002442. Disease mechanism: loss of function. Inheritance: Various modes of inheritance.
Cardiomyopathy (CMYO). Also called: Cardiomyopathies. Identifiers: Orphanet 167848, MedGen C0878544, MONDO:0004994, HP:0001638. Inheritance: Various modes of inheritance.
Long QT syndrome 11 (LQT11). Identifiers: Orphanet 101016, Orphanet 768, MedGen C2678483, MONDO:0012738, OMIM 611820.

Allele frequency attached by ClinVar (database versions not stated): gnomAD 0.00018 and 0.00023; gnomAD exomes 0.00026 and 0.00056; 1000 Genomes Project 30x 0.00031; 1000 Genomes Project 0.00040; ExAC 0.00054; TOPMed 0.00025.
gnomAD v4.1: 400 of 1,614,176 alleles (0.025%); highest among the groups gnomAD compares: East Asian, 0.87%; 1 homozygote.

Submissions (8):

Labcorp Genetics (formerly Invitae), Labcorp
Classification: Benign for Long QT syndrome. Last evaluated: 2026-02-01. Review status: criteria provided, single submitter. Criteria: Invitae Variant Classification Sherloc (09022015). Collection method: clinical testing. Allele origin: germline.

Blueprint Genetics
Classification: Likely benign. Last evaluated: 2024-05-06. Review status: criteria provided, single submitter. Criteria: ACMG Guidelines, 2015. Collection method: clinical testing. Allele origin: germline.

Women's Health and Genetics/Laboratory Corporation of America, LabCorp
Classification: Likely benign. Last evaluated: 2023-04-10. Review status: criteria provided, single submitter. Criteria: LabCorp Variant Classification Summary - May 2015. Collection method: clinical testing. Allele origin: germline.

GeneDx
Classification: Likely benign. Last evaluated: 2019-11-14. Review status: criteria provided, single submitter. Criteria: GeneDx Variant Classification Process June 2021. Collection method: clinical testing. Allele origin: germline. Affected: yes.

Center for Advanced Laboratory Medicine, UC San Diego Health, University of California San Diego
Classification: Benign for Cardiomyopathy. Last evaluated: 2019-01-31. Review status: criteria provided, single submitter. Criteria: ACMG Guidelines, 2015. Collection method: clinical testing. Allele origin: germline. Affected: yes. Observed: 1 variant allele.

Baylor Genetics
Classification: Uncertain significance for Long QT syndrome 11. Last evaluated: 2018-12-28. Review status: criteria provided, single submitter. Criteria: ACMG Guidelines, 2015. Collection method: clinical testing. Allele origin: maternal. Affected: yes.
Comment: This variant was determined to be of uncertain significance according to ACMG Guidelines, 2015 [PMID:25741868].

Ambry Genetics
Classification: Likely benign for Cardiovascular phenotype. Last evaluated: 2017-01-12. Review status: criteria provided, single submitter. Criteria: Ambry Variant Classification Scheme 2023. Collection method: clinical testing. Allele origin: germline.

Biesecker Lab/Clinical Genomics Section, National Institutes of Health
Classification: Likely benign. Last evaluated: 2013-06-24. Review status: criteria provided, single submitter. Criteria: Ng et al. (Circ Cardiovasc Genet. 2013). Collection method: research. Allele origin: unknown. Observed: 2 variant alleles. Study: ClinSeq.
Comment: The study set was not selected for affection status in relation to any cancer. Pathogenicity categories were based on literature curation. See Pubmed ID:23861362 for details.

Medical sequencing

Literature cited by the submitters: PubMed 23861362 (cited by Ambry Genetics).